The following is an entry in ClinVar:

ClinVar aggregate classification (germline): Uncertain significance (1 of 4 stars; one submission).

Conditions:
Cardiovascular phenotype. Identifiers: MedGen CN230736.

gnomAD v4.1: 3 of 1,536,460 alleles (0.0002%); highest among the groups gnomAD compares: East Asian, 0.0049%; no homozygotes.

Submission:

Ambry Genetics
Classification: Uncertain significance for Cardiovascular phenotype. Last evaluated: 2025-05-24. Review status: criteria provided, single submitter. Criteria: Ambry Variant Classification Scheme 2023. Collection method: clinical testing. Allele origin: germline.
Comment: The p.P1137S variant (also known as c.3409C>T), located in coding exon 2 of the ZNF469 gene, results from a C to T substitution at nucleotide position 3409. The proline at codon 1137 is replaced by serine, an amino acid with similar properties. This amino acid position is conserved. In addition, this alteration is predicted to be tolerated by in silico analysis. Based on the available evidence, the clinical significance of this variant remains unclear.

NM_001367624.2(ZNF469):c.3493C>T (p.Pro1165Ser)

Gene: ZNF469 (zinc finger protein 469; plus strand). Cytogenetic location: 16q24.2.
Variant type: single nucleotide variant.
Coding change: c.3493C>T on transcript NM_001367624.2 (MANE Select); coding-DNA position 3493, C replaced by T.
Protein change: p.Pro1165Ser; replaces proline 1165 with serine.
Molecular consequence: missense variant.
Genome position (GRCh38, 1-based): chr16:88,430,963, C>T. VCF-style: chr16-88430963-C-T. GRCh37 (hg19) VCF-style: chr16-88497371-C-T.
Other names: NM_001127464.1:c.3409C>T; short protein forms P1165S.
Identifiers: ClinVar variation 3987359 (VCV003987359.1).